The following is an entry in ClinVar:

ClinVar aggregate classification (germline): Conflicting classifications of pathogenicity. Review status: criteria provided, conflicting classifications (1 of 4 stars). 5 submissions from 5 submitters: Uncertain significance (4); Likely benign (1). Last evaluated 2025-12-30.

Conditions:
Hearing impairment. Also called: Impaired Hearing. Identifiers: MedGen C1384666, MONDO:0005365, HP:0000365.

Allele frequency attached by ClinVar (database versions not stated): ExAC 0.00002; gnomAD exomes 0.00002; TOPMed 0.00002; gnomAD 0.00003.
gnomAD v4.1: 31 of 1,612,426 alleles (0.0019%); highest among the groups gnomAD compares: Non-Finnish European, 0.0026%; no homozygotes.

Submissions (5):

Labcorp Genetics (formerly Invitae), Labcorp
Classification: Likely benign. Last evaluated: 2025-12-30. Review status: criteria provided, single submitter. Criteria: Invitae Variant Classification Sherloc (09022015). Collection method: clinical testing. Allele origin: germline.

GeneDx
Classification: Uncertain significance. Last evaluated: 2023-04-06. Review status: criteria provided, single submitter. Criteria: GeneDx Variant Classification Process June 2021. Collection method: clinical testing. Allele origin: germline. Affected: yes.
Comment: Has not been previously published as pathogenic or benign to our knowledge; In silico analysis supports that this missense variant has a deleterious effect on protein structure/function; Occurs in the triple helical domain at the Y position in the canonical Gly-X-Y repeat; although this variant may have an effect on normal protein folding and function, missense substitution at the Y position is not a common mechanism of disease

Blueprint Genetics
Classification: Uncertain significance. Last evaluated: 2022-02-09. Review status: criteria provided, single submitter. Criteria: ACMG Guidelines, 2015. Collection method: clinical testing. Allele origin: germline.

Department of Otolaryngology – Head & Neck Surgery, Cochlear Implant Center
Classification: Uncertain significance for Hearing impairment. Last evaluated: 2021-04-12. Review status: criteria provided, single submitter. Criteria: ClinGen HL ACMG Specifications v1. Collection method: clinical testing. Allele origin: germline. Affected: yes.
Comment: PM2_Moderate

CeGaT Center for Human Genetics Tuebingen
Classification: Uncertain significance. Last evaluated: 2017-03-01. Review status: criteria provided, single submitter. Criteria: CeGaT Center For Human Genetics Tuebingen Variant Classification Criteria Version 2. Collection method: clinical testing. Allele origin: germline. Affected: yes. Observed: 1 variant allele.

NM_001854.4(COL11A1):c.3779C>A (p.Ala1260Glu)

Gene: COL11A1 (collagen type XI alpha 1 chain; minus strand). Cytogenetic location: 1p21.1.
Variant type: single nucleotide variant.
Coding change: c.3779C>A on transcript NM_001854.4 (MANE Select); coding-DNA position 3779, C replaced by A.
Protein change: p.Ala1260Glu; replaces alanine 1260 with glutamic acid.
Molecular consequence: missense variant. On other transcripts: non-coding transcript variant (1).
Genome position (GRCh38, 1-based): chr1:102,915,668, G>T on the plus strand (C>A on the coding strand, the complement: COL11A1 is on the minus strand). VCF-style: chr1-102915668-G-T. GRCh37 (hg19) VCF-style: chr1-103381224-G-T.
Other names: c.3662C>A, p.Ala1221Glu (NM_001190709.2); c.3815C>A, p.Ala1272Glu (NM_080629.3); c.3431C>A, p.Ala1144Glu (NM_080630.4); c.3779C>A (NM_001854.3); short protein forms A1272E, A1144E, A1221E, A1260E.
Identifiers: ClinVar variation 444173 (VCV000444173.53), dbSNP rs750838060, ClinGen allele CA973847.